The following is an entry in ClinVar:

ClinVar aggregate classification (germline): Uncertain significance (1 of 4 stars; one submission).

Conditions:
Cone-rod dystrophy 13 (CORD13). Identifiers: Orphanet 1872, MedGen C2750720, MONDO:0011987, OMIM 608194.
Leber congenital amaurosis 6 (LCA6). Identifiers: Orphanet 65, MedGen C1854260, MONDO:0013446, OMIM 613826.

Submission:

Labcorp Genetics (formerly Invitae), Labcorp
Classification: Uncertain significance for Leber congenital amaurosis 6; Cone-rod dystrophy 13. Last evaluated: 2022-08-31. Review status: criteria provided, single submitter. Criteria: Invitae Variant Classification Sherloc (09022015). Collection method: clinical testing. Allele origin: germline.
Comment: In summary, the available evidence is currently insufficient to determine the role of this variant in disease. Therefore, it has been classified as a Variant of Uncertain Significance. Algorithms developed to predict the effect of missense changes on protein structure and function are either unavailable or do not agree on the potential impact of this missense change (SIFT: "Tolerated"; PolyPhen-2: "Probably Damaging"; Align-GVGD: "Class C0"). ClinVar contains an entry for this variant (Variation ID: 1485553). This variant has not been reported in the literature in individuals affected with RPGRIP1-related conditions. This variant is not present in population databases (gnomAD no frequency). This sequence change replaces alanine, which is neutral and non-polar, with aspartic acid, which is acidic and polar, at codon 173 of the RPGRIP1 protein (p.Ala173Asp).

NM_020366.4(RPGRIP1):c.518C>A (p.Ala173Asp)

Gene: RPGRIP1 (RPGR interacting protein 1; plus strand). Cytogenetic location: 14q11.2.
Variant type: single nucleotide variant.
Coding change: c.518C>A on transcript NM_020366.4 (MANE Select); coding-DNA position 518, C replaced by A.
Protein change: p.Ala173Asp; replaces alanine 173 with aspartic acid.
Molecular consequence: missense variant.
Genome position (GRCh38, 1-based): chr14:21,302,515, C>A. VCF-style: chr14-21302515-C-A. GRCh37 (hg19) VCF-style: chr14-21770674-C-A.
Other names: short protein forms A173D.
Identifiers: ClinVar variation 1485553 (VCV001485553.6), dbSNP rs1305296500, ClinGen allele CA388860008.
Genomic context (GRCh38, chr14:21,302,515, plus strand): 5'-GCCCGAGTCTGCATCTTCTGTCTAAACTTTTAGGGCCAAGGGACAGGCTGAGCTACACAG[C>A]CCCTCCATCGTTTAAGGAGCATGCGACAAATGAAAACAGAGGTGAAGTAGCCAGTAAACC-3'
Protein context (NP_065099.3, residues 163-183): RGPRDRLSYT[Ala173Asp]PPSFKEHATN